The following is an entry in ClinVar:

NM_152906.7(TANGO2):c.634C>T (p.Gln212Ter)

Gene: TANGO2 (transport and golgi organization 2 homolog; plus strand). Cytogenetic location: 22q11.21.
Variant type: single nucleotide variant.
Coding change: c.634C>T on transcript NM_152906.7 (MANE Select); coding-DNA position 634, C replaced by T.
Protein change: p.Gln212Ter; replaces glutamine 212 with a stop codon.
Molecular consequence: nonsense. On other transcripts: missense variant (5), synonymous variant (1), non-coding transcript variant (5), intron variant (1).
Genome position (GRCh38, 1-based): chr22:20,063,366, C>T. VCF-style: chr22-20063366-C-T. GRCh37 (hg19) VCF-style: chr22-20050889-C-T.
Other names: c.634C>T, p.Gln212Ter (NM_001283106.3, NM_001283116.3, NM_001322142.2); c.757C>T, p.Gln253Ter (NM_001283129.3, NM_001322141.2, NM_001322143.2); c.632C>T, p.Pro211Leu (NM_001283148.3, NM_001283154.3); c.448C>T, p.Gln150Ter (NM_001283179.3, NM_001283186.3, NM_001322163.2 and 2 more transcripts); c.409C>T, p.Gln137Ter (NM_001283199.3); c.340C>T, p.Gln114Ter (NM_001283235.3, NM_001322150.2, NM_001322174.2 and 6 more transcripts); c.294C>T, p.Thr98= (NM_001283248.3); c.755C>T, p.Pro252Leu (NM_001322144.2); and 5 more; short protein forms P149L, Q212*, Q150*, Q253*, P177L, P211L, P252L, Q137*.
Identifiers: ClinVar variation 2788154 (VCV002788154.6), dbSNP rs2519147386, ClinGen allele CA410700272.

ClinVar aggregate classification (germline): Pathogenic/Likely pathogenic. Review status: criteria provided, multiple submitters, no conflicts (2 of 4 stars). 2 submissions from 2 submitters: Pathogenic (1); Likely pathogenic (1). Last evaluated 2024-01-19.

Conditions:
Recurrent metabolic encephalomyopathic crises-rhabdomyolysis-cardiac arrhythmia-intellectual disability syndrome (MECRCN). Also called: Metabolic encephalomyopathic crises, recurrent, with rhabdomyolysis, cardiac arrhythmias, and neurodegeneration; METABOLIC CRISES, RECURRENT, WITH RHABDOMYOLYSIS, CARDIAC ARRHYTHMIAS, AND NEURODEGENERATION; TANGO2 Deficiency. Identifiers: Orphanet 480864, MedGen C5567524, MONDO:0018820, OMIM 616878.

Allele frequency attached by ClinVar (database versions not stated): gnomAD exomes below 0.00001.
gnomAD v4.1: 1 of 1,613,522 alleles (0.000062%); highest among the groups gnomAD compares: Non-Finnish European, 0.000085%; no homozygotes.

Submissions (2):

Labcorp Genetics (formerly Invitae), Labcorp
Classification: Pathogenic. Last evaluated: 2024-01-19. Review status: criteria provided, single submitter. Criteria: Invitae Variant Classification Sherloc (09022015). Collection method: clinical testing. Allele origin: germline.
Comment: This sequence change creates a premature translational stop signal (p.Gln212*) in the TANGO2 gene. It is expected to result in an absent or disrupted protein product. Loss-of-function variants in TANGO2 are known to be pathogenic (PMID: 26805781, 26805782). This variant is not present in population databases (gnomAD no frequency). This variant has not been reported in the literature in individuals affected with TANGO2-related conditions. For these reasons, this variant has been classified as Pathogenic.

Neuberg Centre For Genomic Medicine, NCGM
Classification: Likely pathogenic for Recurrent metabolic encephalomyopathic crises-rhabdomyolysis-cardiac arrhythmia-intellectual disability syndrome. Review status: criteria provided, single submitter. Criteria: ACMG Guidelines, 2015. Collection method: clinical testing. Allele origin: germline. Inheritance: Autosomal recessive inheritance. Affected: yes.
Comment: The observed stop gained c.634C>T (p.Gln212Ter) variant in TANGO2 gene has not been reported previously as a pathogenic variant nor as a benign variant, to our knowledge. The p.Gln212Ter variant is absent in gnomAD Exomes. This variant has not been submitted to the ClinVar database. Computational evidence (MutationTaster - Disease causing) predicts damaging effect on protein structure and function for this variant. The reference amino acid of p.Gln212Ter in TANGO2 is predicted as conserved by GERP++ and PhyloP across 100 vertebrates. This sequence change creates a premature translational stop signal (p.Gln212Ter) in the TANGO2 gene. This variant is predicted to cause loss of normal protein function through protein truncation. Loss of function variants in TANGO2 gene have been previously reported to be disease causing (Kremer et al., 2016). However, additional functional studies will be required to prove the pathogenicity of this variant. For these reasons, this variant has been classified as Likely Pathogenic.

Literature cited by the submitters: PubMed 26805781 (cited by Labcorp Genetics (formerly Invitae), Labcorp); PubMed 26805782 (cited by Labcorp Genetics (formerly Invitae), Labcorp).